The following is an entry in ClinVar:

ClinVar aggregate classification (germline): Uncertain significance (1 of 4 stars; one submission).

Conditions:
Hereditary cancer-predisposing syndrome. Also called: Neoplastic Syndromes, Hereditary; Hereditary Cancer Syndrome; Hereditary neoplastic syndrome; Tumor predisposition. Identifiers: Orphanet 140162, MedGen C0027672, MeSH D009386, MONDO:0015356.

Submission:

Ambry Genetics
Classification: Uncertain significance for Hereditary cancer-predisposing syndrome. Last evaluated: 2023-04-18. Review status: criteria provided, single submitter. Criteria: Ambry Variant Classification Scheme 2023. Collection method: clinical testing. Allele origin: germline.
Comment: The p.S879T variant (also known as c.2635T>A), located in coding exon 22 of the TSC2 gene, results from a T to A substitution at nucleotide position 2635. The serine at codon 879 is replaced by threonine, an amino acid with similar properties. This amino acid position is conserved. In addition, the in silico prediction for this alteration is inconclusive. Since supporting evidence is limited at this time, the clinical significance of this alteration remains unclear.

NM_000548.5(TSC2):c.2635T>A (p.Ser879Thr)

Gene: TSC2 (TSC complex subunit 2; plus strand). Cytogenetic location: 16p13.3.
Variant type: single nucleotide variant.
Coding change: c.2635T>A on transcript NM_000548.5 (MANE Select); coding-DNA position 2635, T replaced by A.
Protein change: p.Ser879Thr; replaces serine 879 with threonine.
Molecular consequence: missense variant. On other transcripts: non-coding transcript variant (5).
Genome position (GRCh38, 1-based): chr16:2,075,888, T>A. VCF-style: chr16-2075888-T-A. GRCh37 (hg19) VCF-style: chr16-2125889-T-A.
Other names: c.2635T>A, p.Ser879Thr (NM_001077183.3, NM_001114382.3, NM_001363528.2 and 6 more transcripts); c.2524T>A, p.Ser842Thr (NM_001318827.2, NM_001406670.1, NM_001406678.1); c.2488T>A, p.Ser830Thr (NM_001318829.2, NM_001406675.1, NM_001406676.1 and 1 more transcripts); c.2035T>A, p.Ser679Thr (NM_001318831.2, NM_001406680.1, NM_001406682.1 and 6 more transcripts); c.2668T>A, p.Ser890Thr (NM_001318832.2); c.2725T>A, p.Ser909Thr (NM_001406667.1, NM_001406668.1); c.2623T>A, p.Ser875Thr (NM_001406671.1, NM_001406673.1); c.2578T>A, p.Ser860Thr (NM_001406677.1); and 3 more; short protein forms S345T, S830T, S860T, S879T, S909T, S679T, S725T, S431T.
Identifiers: ClinVar variation 2564684 (VCV002564684.2), dbSNP rs2151382181, ClinGen allele CA394278477.